The following is an entry in ClinVar:

NM_000062.3(SERPING1):c.468del (p.Phe157fs)

Gene: SERPING1 (serpin family G member 1; plus strand). Cytogenetic location: 11q12.1.
Variant type: Deletion.
Coding change: c.468del on transcript NM_000062.3 (MANE Select); coding-DNA position 468, one base deleted (C; older notation c.468delC).
Protein change: p.Phe157fs; shifts the reading frame from phenylalanine 157.
Molecular consequence: frameshift variant.
Genome position (GRCh38, 1-based): chr11:57,600,295, C deleted; the last of 2 consecutive C bases (chr11:57,600,294-57,600,295); deleting either gives the same sequence. VCF-style (leftmost placement, unchanged base first): chr11-57600293-GC-G. GRCh37 (hg19) VCF-style: chr11-57367766-GC-G.
Other names: c.468del, p.Phe157fs (NM_001032295.2); c.468delC (NM_000062.3); short protein forms F157fs.
Identifiers: ClinVar variation 3242421 (VCV003242421.2), dbSNP rs2495426601.

ClinVar aggregate classification (germline): Pathogenic (1 of 4 stars; one submission).

Conditions:
Hereditary angioedema type 1 (HAE1). Identifiers: Orphanet 100050, Orphanet 100051, Orphanet 91378, MedGen C2717906, MONDO:0015053, OMIM 106100.

Submission:

DNA-diagnostics Laboratory, Research Centre For Medical Genetics
Classification: Pathogenic for Hereditary angioedema type 1. Last evaluated: 2024-06-01. Review status: criteria provided, single submitter. Criteria: ACMG Guidelines, 2015. Collection method: research. Allele origin: germline. Inheritance: Autosomal dominant inheritance. Affected: yes. Observed: 7 variant alleles, 7 heterozygotes.
Comment: The c.468delC variant in SERPING1 meets ACMG/ClinGen SVI guidance criteria to be classified as likely pathogenic: PVS1, PP4_Str, PM2_Sup